The following is an entry in ClinVar:

NM_000026.4(ADSL):c.19C>G (p.His7Asp)

Gene: ADSL (adenylosuccinate lyase; plus strand). Cytogenetic location: 22q13.1.
Variant type: single nucleotide variant.
Coding change: c.19C>G on transcript NM_000026.4 (MANE Select); coding-DNA position 19, C replaced by G.
Protein change: p.His7Asp; replaces histidine 7 with aspartic acid.
Molecular consequence: missense variant. On other transcripts: 5 prime UTR variant (1), non-coding transcript variant (1).
Genome position (GRCh38, 1-based): chr22:40,346,577, C>G. VCF-style: chr22-40346577-C-G. GRCh37 (hg19) VCF-style: chr22-40742581-C-G.
Other names: c.19C>G, p.His7Asp (NM_001123378.3, NM_001363840.3); c.-119C>G (NM_001317923.2); short protein forms H7D.
Identifiers: ClinVar variation 1389727 (VCV001389727.5), dbSNP rs778590882, ClinGen allele CA10247584.

ClinVar aggregate classification (germline): Uncertain significance (1 of 4 stars; one submission).

Conditions:
Adenylosuccinate lyase deficiency (ADSLD). Also called: ADSL DEFICIENCY. Identifiers: Orphanet 46, MedGen C0268126, MONDO:0007068, OMIM 103050.

Allele frequency attached by ClinVar (database versions not stated): gnomAD exomes below 0.00001; ExAC 0.00001.
gnomAD v4.1: 3 of 1,605,806 alleles (0.00019%); highest among the groups gnomAD compares: South Asian, 0.0033%; no homozygotes.

Submission:

Labcorp Genetics (formerly Invitae), Labcorp
Classification: Uncertain significance for Adenylosuccinate lyase deficiency. Last evaluated: 2022-08-23. Review status: criteria provided, single submitter. Criteria: Invitae Variant Classification Sherloc (09022015). Collection method: clinical testing. Allele origin: germline.
Comment: This sequence change replaces histidine, which is basic and polar, with aspartic acid, which is acidic and polar, at codon 7 of the ADSL protein (p.His7Asp). This variant is not present in population databases (gnomAD no frequency). This variant has not been reported in the literature in individuals affected with ADSL-related conditions. ClinVar contains an entry for this variant (Variation ID: 1389727). Advanced modeling of protein sequence and biophysical properties (such as structural, functional, and spatial information, amino acid conservation, physicochemical variation, residue mobility, and thermodynamic stability) performed at Invitae indicates that this missense variant is not expected to disrupt ADSL protein function. In summary, the available evidence is currently insufficient to determine the role of this variant in disease. Therefore, it has been classified as a Variant of Uncertain Significance.